The following is an entry in ClinVar:

NM_182961.4(SYNE1):c.12565G>A (p.Val4189Met)

Gene: SYNE1 (spectrin repeat containing nuclear envelope protein 1; minus strand). Cytogenetic location: 6q25.2.
Variant type: single nucleotide variant.
Coding change: c.12565G>A on transcript NM_182961.4 (MANE Select); coding-DNA position 12565, G replaced by A.
Protein change: p.Val4189Met; replaces valine 4189 with methionine.
Molecular consequence: missense variant.
Genome position (GRCh38, 1-based): chr6:152,334,237, C>T on the plus strand (G>A on the coding strand, the complement: SYNE1 is on the minus strand). VCF-style: chr6-152334237-C-T. GRCh37 (hg19) VCF-style: chr6-152655372-C-T.
Other names: c.12352G>A, p.Val4118Met (NM_033071.5); short protein forms V4118M, V4189M.
Identifiers: ClinVar variation 355880 (VCV000355880.21), dbSNP rs148204741, ClinGen allele CA4056359.

ClinVar aggregate classification (germline): Benign/Likely benign. Review status: criteria provided, multiple submitters, no conflicts (2 of 4 stars). 5 submissions from 4 submitters: Benign (3); Likely benign (1). 1 of the submissions does not count toward it. Last evaluated 2025-12-20.

Conditions:
SYNE1-related disorder. Also called: SYNE1-related disorders; SYNE1-related disease; SYNE1-related condition.
Autosomal recessive ataxia, Beauce type. Also called: SYNE1 Deficiency; SYNE1-Related Autosomal Recessive Cerebellar Ataxia; Spinocerebellar ataxia, autosomal recessive 8; ATAXIA, RECESSIVE, OF BEAUCE. Identifiers: Orphanet 88644, MedGen C1853116, MONDO:0012549, OMIM 610743.
Emery-Dreifuss muscular dystrophy 4, autosomal dominant (EDMD4). Also called: EMERY-DREIFUSS MUSCULAR DYSTROPHY 4 WITH VARIABLE FEATURES. Identifiers: Orphanet 261, MedGen C2751807, MONDO:0013071, OMIM 612998.

Allele frequency attached by ClinVar (database versions not stated): TOPMed 0.00004; gnomAD 0.00005; ESP Exome Variant Server 0.00008; ExAC 0.00177; 1000 Genomes Project 30x 0.00390; 1000 Genomes Project 0.00419.
gnomAD v4.1: 1,053 of 1,613,940 alleles (0.065%); highest among the groups gnomAD compares: South Asian, 1.1%; 12 homozygotes.

Submissions (5):

Labcorp Genetics (formerly Invitae), Labcorp
Classification: Benign for Emery-Dreifuss muscular dystrophy 4, autosomal dominant; Autosomal recessive ataxia, Beauce type. Last evaluated: 2025-12-20. Review status: criteria provided, single submitter. Criteria: Invitae Variant Classification Sherloc (09022015). Collection method: clinical testing. Allele origin: germline.

GeneDx
Classification: Likely benign. Last evaluated: 2019-10-22. Review status: criteria provided, single submitter. Criteria: GeneDx Variant Classification Process June 2021. Collection method: clinical testing. Allele origin: germline. Affected: yes.

Illumina Laboratory Services, Illumina
Classification: Benign for Autosomal recessive ataxia, Beauce type. Last evaluated: 2018-01-13. Review status: criteria provided, single submitter. Criteria: ICSL Variant Classification Criteria 13 December 2019. Collection method: clinical testing. Allele origin: germline.
Comment: This variant was observed in the ICSL laboratory as part of a predisposition screen in an ostensibly healthy population. It had not been previously curated by ICSL or reported in the Human Gene Mutation Database (HGMD: prior to June 1st, 2018), and was therefore a candidate for classification through an automated scoring system. Utilizing variant allele frequency, disease prevalence and penetrance estimates, and inheritance mode, an automated score was calculated to assess if this variant is too frequent to cause the disease. Based on the score and internal cut-off values, a variant classified as benign is not then subjected to further curation. The score for this variant resulted in a classification of benign for this disease.

Illumina Laboratory Services, Illumina
Classification: Benign for Emery-Dreifuss muscular dystrophy 4, autosomal dominant. Last evaluated: 2018-01-13. Review status: criteria provided, single submitter. Criteria: ICSL Variant Classification Criteria 13 December 2019. Collection method: clinical testing. Allele origin: germline.
Comment: the same text as in the submission from Illumina Laboratory Services, Illumina above.

PreventionGenetics, part of Exact Sciences
Classification: Benign for SYNE1-related condition. Last evaluated: 2019-04-22. Review status: no assertion criteria provided. Collection method: clinical testing. Allele origin: germline. Not counted in ClinVar's aggregate classification.
Comment: This variant is classified as benign based on ACMG/AMP sequence variant interpretation guidelines (Richards et al. 2015 PMID: 25741868, with internal and published modifications).